The following is an entry in ClinVar:

ClinVar aggregate classification (germline): Likely benign. Review status: criteria provided, multiple submitters, no conflicts (2 of 4 stars). 3 submissions from 3 submitters: Likely benign (3). Last evaluated 2025-10-11.

Conditions:
TTLL5-related disorder. Also called: TTLL5-related condition.

Allele frequency attached by ClinVar (database versions not stated): ExAC 0.00006; 1000 Genomes Project 30x 0.00016; 1000 Genomes Project 0.00020; gnomAD exomes 0.00020; gnomAD 0.00048; TOPMed 0.00056.
gnomAD v4.1: 164 of 1,614,104 alleles (0.01%); highest among the groups gnomAD compares: Admixed American, 0.23%; 3 homozygotes.

Submissions (3):

Labcorp Genetics (formerly Invitae), Labcorp
Classification: Likely benign. Last evaluated: 2025-10-11. Review status: criteria provided, single submitter. Criteria: Invitae Variant Classification Sherloc (09022015). Collection method: clinical testing. Allele origin: germline.

PreventionGenetics, part of Exact Sciences
Classification: Likely benign for TTLL5-related condition. Last evaluated: 2024-12-18. Review status: criteria provided, single submitter. Criteria: ACMG Guidelines, 2015. Collection method: clinical testing. Allele origin: germline.
Comment: This variant is classified as likely benign based on ACMG/AMP sequence variant interpretation guidelines (Richards et al. 2015 PMID: 25741868, with internal and published modifications).

Blueprint Genetics
Classification: Likely benign. Last evaluated: 2024-09-23. Review status: criteria provided, single submitter. Criteria: ACMG Guidelines, 2015. Collection method: clinical testing. Allele origin: germline.

NM_015072.5(TTLL5):c.141C>T (p.Asp47=)

Gene: TTLL5 (tubulin tyrosine ligase like 5; plus strand). Cytogenetic location: 14q24.3.
Variant type: single nucleotide variant.
Coding change: c.141C>T on transcript NM_015072.5 (MANE Select); coding-DNA position 141, C replaced by T.
Protein change: p.Asp47=; no amino-acid change (aspartic acid 47 retained).
Molecular consequence: synonymous variant.
Genome position (GRCh38, 1-based): chr14:75,669,482, C>T. VCF-style: chr14-75669482-C-T. GRCh37 (hg19) VCF-style: chr14-76135825-C-T.
Identifiers: ClinVar variation 782717 (VCV000782717.13), dbSNP rs540867894, ClinGen allele CA7278815.